The following is an entry in ClinVar:

NM_004628.5(XPC):c.1243C>T (p.Arg415Ter)

Gene: XPC (XPC complex subunit, DNA damage recognition and repair factor; minus strand). Cytogenetic location: 3p25.1.
Variant type: single nucleotide variant.
Coding change: c.1243C>T on transcript NM_004628.5 (MANE Select); coding-DNA position 1243, C replaced by T.
Protein change: p.Arg415Ter; replaces arginine 415 with a stop codon.
Molecular consequence: nonsense. On other transcripts: non-coding transcript variant (2).
Genome position (GRCh38, 1-based): chr3:14,158,640, G>A on the plus strand (C>T on the coding strand, the complement: XPC is on the minus strand). VCF-style: chr3-14158640-G-A. GRCh37 (hg19) VCF-style: chr3-14200140-G-A.
Other names: c.664C>T, p.Arg222Ter (NM_001354726.2); c.1243C>T, p.Arg415Ter (NM_001354727.2, NM_001354730.2); c.1225C>T, p.Arg409Ter (NM_001354729.2); short protein forms R415*, R222*, R409*.
Identifiers: ClinVar variation 438623 (VCV000438623.57), dbSNP rs757958943, ClinGen allele CA2267485.
Genomic context (GRCh38, chr3:14,158,640, plus strand): 5'-CACTCTCCTCTTTATAAGACACCCTGGAGGCCACCCGCCGCTCCCGGCCATGCGGACGTC[G>A]CTGGGTTGCCTTCTCCTGCTTGTCTCCTGGGCCCTCATCTTCCTCGCTGGAGGAGGGCTT-3'

ClinVar aggregate classification (germline): Pathogenic. Review status: criteria provided, multiple submitters, no conflicts (2 of 4 stars). 9 submissions from 9 submitters: Pathogenic (8). 1 of the submissions does not count toward it. Last evaluated 2024-05-30.

Conditions:
Xeroderma pigmentosum, group C (XPC). Also called: XERODERMA PIGMENTOSUM III; XP, GROUP C; XPC-Related Xeroderma Pigmentosum; Xeroderma pigmentosum, complementation group C. Identifiers: Orphanet 910, MedGen C2752147, MONDO:0010211, OMIM 278720.
XPC-related disorder. Also called: XPC-related condition.
Xeroderma pigmentosum (XP). Identifiers: Orphanet 910, MedGen C0043346, MONDO:0019600.

Allele frequency attached by ClinVar (database versions not stated): ExAC 0.00001; gnomAD exomes 0.00001; gnomAD 0.00004 and 0.00005; TOPMed 0.00005.

Submissions (9):

Fulgent Genetics
Classification: Pathogenic for Xeroderma pigmentosum, group C. Last evaluated: 2024-05-30. Review status: criteria provided, single submitter. Criteria: ACMG Guidelines, 2015. Collection method: clinical testing. Allele origin: germline.

Baylor Genetics
Classification: Pathogenic for Xeroderma pigmentosum, group C. Last evaluated: 2024-03-14. Review status: criteria provided, single submitter. Criteria: ACMG Guidelines, 2015. Collection method: clinical testing. Allele origin: unknown.

Labcorp Genetics (formerly Invitae), Labcorp
Classification: Pathogenic. Last evaluated: 2024-02-02. Review status: criteria provided, single submitter. Criteria: Invitae Variant Classification Sherloc (09022015). Collection method: clinical testing. Allele origin: germline.
Comment: This sequence change creates a premature translational stop signal (p.Arg415*) in the XPC gene. It is expected to result in an absent or disrupted protein product. Loss-of-function variants in XPC are known to be pathogenic (PMID: 23173980, 25256075). This variant is present in population databases (rs757958943, gnomAD 0.007%). This premature translational stop signal has been observed in individuals with xeroderma pigmentosum (PMID: 26884178, 29178624). ClinVar contains an entry for this variant (Variation ID: 438623). For these reasons, this variant has been classified as Pathogenic.

3billion
Classification: Pathogenic for Xeroderma pigmentosum, group C. Last evaluated: 2022-01-03. Review status: criteria provided, single submitter. Criteria: ACMG Guidelines, 2015. Collection method: clinical testing. Allele origin: germline. Affected: yes. Observed: 1 homozygote.
Comment: Stop-gained (nonsense): predicted to result in a loss or disruption of normal protein function through nonsense-mediated decay (NMD) or protein truncation. Multiple pathogenic variants are reported downstream of the variant (PVS1_VS). The variant has been reported at least twice as pathogenic/likely pathogenic with clinical assertions and evidence for the classification (ClinVar ID: VCV000438623, PMID:16081512). It is observed at an extremely low frequency in the gnomAD v2.1.1 dataset (total allele frequency: 0.000012, PM2_M). Therefore, this variant is classified as pathogenic according to the recommendation of ACMG/AMP guideline.

Blueprint Genetics
Classification: Pathogenic for XPC-related disorders. Last evaluated: 2020-11-12. Review status: criteria provided, single submitter. Criteria: ACMG Guidelines, 2015. Collection method: clinical testing. Allele origin: germline. Affected: yes. Observed: 1 variant allele.

Women's Health and Genetics/Laboratory Corporation of America, LabCorp
Classification: Pathogenic for Xeroderma pigmentosum. Last evaluated: 2020-03-23. Review status: criteria provided, single submitter. Criteria: LabCorp Variant Classification Summary - May 2015. Collection method: clinical testing. Allele origin: germline.
Comment: Variant summary: XPC c.1243C>T (p.Arg415X) results in a premature termination codon, predicted to cause a truncation of the encoded protein or absence of the protein due to nonsense mediated decay, which are commonly known mechanisms for disease. Truncations downstream of this position have been classified as pathogenic by our laboratory. The variant allele was found at a frequency of 1.2e-05 in 249248 control chromosomes (gnomAD). c.1243C>T has been reported in the literature in multiple individuals affected with Xeroderma pigmentosum (Tamhankar_2015, Fassihi_2016). These data indicate that the variant is very likely to be associated with disease. To our knowledge, no experimental evidence demonstrating an impact on protein function has been reported. One ClinVar submitter (evaluation after 2014) cites the variant as pathogenic. Based on the evidence outlined above, the variant was classified as pathogenic.

CeGaT Center for Human Genetics Tuebingen
Classification: Pathogenic. Last evaluated: 2018-10-01. Review status: criteria provided, single submitter. Criteria: CeGaT Center For Human Genetics Tuebingen Variant Classification Criteria Version 2. Collection method: clinical testing. Allele origin: germline. Affected: yes. Observed: 1 variant allele.

StellarGene Technologies Pvt. Ltd.
Classification: Pathogenic for Xeroderma pigmentosum, group C. Last evaluated: 2017-06-19. Review status: criteria provided, single submitter. Criteria: Espi et al., 2015. Collection method: clinical testing. Allele origin: inherited. Inheritance: Autosomal recessive inheritance. Affected: yes. Observed: 1 variant allele, 1 homozygote.
Comment: The Illumina clinical exome sequencing panel was used and other genes involved in Xeroderma were free of pathogenic/ likely pathogenic variants. This variant was reported as pathogenic previously.

Counsyl
Classification: Pathogenic for Xeroderma pigmentosum, group C. Last evaluated: 2017-12-14. Review status: no assertion criteria provided. Collection method: clinical testing. Allele origin: unknown. Not counted in ClinVar's aggregate classification.

Literature cited by the submitters: PubMed 23173980 (cited by Labcorp Genetics (formerly Invitae), Labcorp); PubMed 25256075 (cited by Labcorp Genetics (formerly Invitae), Labcorp); PubMed 26884178 (cited by 3 submitters); PubMed 29178624 (cited by Labcorp Genetics (formerly Invitae), Labcorp); PubMed 16081512 (cited by 3billion); PubMed 25566891 (cited by Women's Health and Genetics/Laboratory Corporation of America, LabCorp); PubMed 20054342 (cited by Counsyl); PubMed 24218596 (cited by Counsyl).